The following is an entry in ClinVar:

NM_181882.3(PRX):c.2141T>C (p.Val714Ala)

Gene: PRX (periaxin; minus strand). Cytogenetic location: 19q13.2.
Variant type: single nucleotide variant.
Coding change: c.2141T>C on transcript NM_181882.3 (MANE Select); coding-DNA position 2141, T replaced by C.
Protein change: p.Val714Ala; replaces valine 714 with alanine.
Molecular consequence: missense variant. On other transcripts: 3 prime UTR variant (1).
Genome position (GRCh38, 1-based): chr19:40,396,211, A>G on the plus strand (T>C on the coding strand, the complement: PRX is on the minus strand). VCF-style: chr19-40396211-A-G. GRCh37 (hg19) VCF-style: chr19-40902118-A-G.
Other names: c.2426T>C, p.Val809Ala (NM_001411127.1); c.*2346T>C (NM_020956.2); short protein forms V714A, V809A.
Identifiers: ClinVar variation 4807328 (VCV004807328.1).
Genomic context (GRCh38, chr19:40,396,211, plus strand): 5'-TCAGGCACCTTGGGGAGTTTTATCTCTGGGAGCTTCATGTCAGGGACTTTCATTTCACAG[A>G]CTTTGGGCAGCTGCACCTCTGGGAGGTGCACATCGGGCACGGCCATTTCAGGCACCTTGG-3'
Protein context (NP_870998.2, residues 704-724): VHLPEVQLPK[Val714Ala]CEMKVPDMKL

ClinVar aggregate classification (germline): Uncertain significance (1 of 4 stars; one submission).

Conditions:
Charcot-Marie-Tooth disease type 4. Also called: Charcot-Marie-Tooth disease, type IV; Charcot-Marie-Tooth, Type 4. Identifiers: Orphanet 64749, MedGen C4082197, MONDO:0018995.

gnomAD v4.1: 1 of 1,612,410 alleles (0.000062%); highest among the groups gnomAD compares: Admixed American, 0.0017%; no homozygotes.

Submission:

Labcorp Genetics (formerly Invitae), Labcorp
Classification: Uncertain significance for Charcot-Marie-Tooth disease type 4. Last evaluated: 2025-07-27. Review status: criteria provided, single submitter. Criteria: Invitae Variant Classification Sherloc (09022015). Collection method: clinical testing. Allele origin: germline.
Comment: This sequence change replaces valine, which is neutral and non-polar, with alanine, which is neutral and non-polar, at codon 714 of the PRX protein (p.Val714Ala). This variant is not present in population databases (gnomAD no frequency). This variant has not been reported in the literature in individuals affected with PRX-related conditions. Invitae Evidence Modeling of protein sequence and biophysical properties (such as structural, functional, and spatial information, amino acid conservation, physicochemical variation, residue mobility, and thermodynamic stability) indicates that this missense variant is not expected to disrupt PRX protein function with a negative predictive value of 80%. In summary, the available evidence is currently insufficient to determine the role of this variant in disease. Therefore, it has been classified as a Variant of Uncertain Significance.